The following is an entry in ClinVar:

NM_006885.4(ZFHX3):c.3024C>T (p.His1008=)

Gene: ZFHX3 (zinc finger homeobox 3; minus strand). Cytogenetic location: 16q22.3.
Variant type: single nucleotide variant.
Coding change: c.3024C>T on transcript NM_006885.4 (MANE Select); coding-DNA position 3024, C replaced by T.
Protein change: p.His1008=; no amino-acid change (histidine 1008 retained).
Molecular consequence: synonymous variant.
Genome position (GRCh38, 1-based): chr16:72,950,661, G>A on the plus strand (C>T on the coding strand, the complement: ZFHX3 is on the minus strand). VCF-style: chr16-72950661-G-A. GRCh37 (hg19) VCF-style: chr16-72984560-G-A.
Other names: c.282C>T, p.His94= (NM_001164766.2); c.3024C>T, p.His1008= (NM_001386735.1).
Identifiers: ClinVar variation 3048675 (VCV003048675.8), dbSNP rs532505093, ClinGen allele CA8164230.

ClinVar aggregate classification (germline): Likely benign. Review status: criteria provided, single submitter (1 of 4 stars). 2 submissions from 2 submitters: Likely benign (1). 1 of the submissions does not count toward it. Last evaluated 2025-10-01.

Conditions:
ZFHX3-related disorder. Also called: ZFHX3-related condition.

Allele frequency attached by ClinVar (database versions not stated): ExAC 0.00003; gnomAD 0.00003; TOPMed 0.00003; gnomAD exomes 0.00006.
gnomAD v4.1: 99 of 1,614,080 alleles (0.0061%); highest among the groups gnomAD compares: South Asian, 0.015%; no homozygotes.

Submissions (2):

CeGaT Center for Human Genetics Tuebingen
Classification: Likely benign. Last evaluated: 2025-10-01. Review status: criteria provided, single submitter. Criteria: CeGaT Center For Human Genetics Tuebingen Variant Classification Criteria Version 2. Collection method: clinical testing. Allele origin: germline. Affected: yes. Observed: 1 variant allele.
Comment: ZFHX3: BP4, BP7

PreventionGenetics, part of Exact Sciences
Classification: Likely benign for ZFHX3-related condition. Last evaluated: 2019-12-23. Review status: no assertion criteria provided. Collection method: clinical testing. Allele origin: germline. Not counted in ClinVar's aggregate classification.
Comment: This variant is classified as likely benign based on ACMG/AMP sequence variant interpretation guidelines (Richards et al. 2015 PMID: 25741868, with internal and published modifications).